The following is an entry in ClinVar:

NM_000195.5(HPS1):c.6del (p.Lys2fs)

Gene: HPS1 (HPS1 biogenesis of lysosomal organelles complex 3 subunit 1; minus strand). Cytogenetic location: 10q24.2.
Variant type: Deletion.
Coding change: c.6del on transcript NM_000195.5 (MANE Select); coding-DNA position 6, one base deleted (G; older notation c.6delG).
Protein change: p.Lys2fs; shifts the reading frame from lysine 2.
Molecular consequence: frameshift variant. On other transcripts: 5 prime UTR variant (6).
Genome position (GRCh38, 1-based): chr10:98,443,235, C deleted on the plus strand (G on the coding strand, the reverse complement: HPS1 is on the minus strand). VCF-style (leftmost placement, unchanged base first): chr10-98443234-AC-A. GRCh37 (hg19) VCF-style: chr10-100202991-AC-A.
Other names: c.6del, p.Lys2fs (NM_001322482.2, NM_001322490.2, NM_001322491.2 and 8 more transcripts); c.-221del (NM_001322483.2, NM_001322484.2, NM_001322485.2); c.-1010del (NM_001322487.2); c.-768del (NM_001322489.2); c.-911del (NM_001311345.2); short protein forms K2fs.
Identifiers: ClinVar variation 4081709 (VCV004081709.1).

ClinVar aggregate classification (germline): Pathogenic (1 of 4 stars; one submission).

Conditions:
Hermansky-Pudlak syndrome 1 (HPS1). Also called: DELTA STORAGE POOL DISEASE. Identifiers: Orphanet 231500, Orphanet 79430, MedGen C2931875, MONDO:0008748, OMIM 203300.

Submission:

Myriad Genetics, Inc.
Classification: Pathogenic for Hermansky-Pudlak syndrome 1. Last evaluated: 2025-05-09. Review status: criteria provided, single submitter. Criteria: Myriad Autosomal Dominant, Autosomal Recessive and X-Linked Classification Criteria (2023). Collection method: clinical testing. Allele origin: unknown.
Comment: NM_000195.3(HPS1):c.6delG(K2Nfs*27) is a frameshift variant classified as pathogenic in the context of Hermansky-Pudlak syndrome, HPS1-related. K2Nfs*27 has not been observed in cases with relevant disease. Relevant functional assessments of this variant are not available in the literature. K2Nfs*27 has not been observed in referenced population frequency databases. In summary, NM_000195.3(HPS1):c.6delG(K2Nfs*27) is a frameshift variant in a gene where loss of function is a known mechanism of disease and is predicted to disrupt protein function. Please note: this variant was assessed in the context of healthy population screening.